The following is an entry in ClinVar:

NM_004086.3(COCH):c.937C>T (p.Gln313Ter)

Genes: COCH (cochlin; plus strand), COCH-AS1 (COCH antisense RNA 1; minus strand). Cytogenetic location: 14q12.
Variant type: single nucleotide variant.
Coding change: c.937C>T on transcript NM_004086.3 (MANE Select); coding-DNA position 937, C replaced by T.
Protein change: p.Gln313Ter; replaces glutamine 313 with a stop codon.
Molecular consequence: nonsense. On other transcripts: non-coding transcript variant (1).
Genome position (GRCh38, 1-based): chr14:30,885,597, C>T. VCF-style: chr14-30885597-C-T. GRCh37 (hg19) VCF-style: chr14-31354803-C-T.
Other names: c.937C>T, p.Gln313Ter (NM_001135058.2); c.1132C>T, p.Gln378Ter (NM_001347720.2); short protein forms Q313*, Q378*.
Identifiers: ClinVar variation 4762958 (VCV004762958.1).

ClinVar aggregate classification (germline): Pathogenic (1 of 4 stars; one submission).

Submission:

Labcorp Genetics (formerly Invitae), Labcorp
Classification: Pathogenic. Last evaluated: 2025-09-04. Review status: criteria provided, single submitter. Criteria: Invitae Variant Classification Sherloc (09022015). Collection method: clinical testing. Allele origin: germline.
Comment: This sequence change creates a premature translational stop signal (p.Gln313*) in the COCH gene. It is expected to result in an absent or disrupted protein product. Loss-of-function variants in COCH are known to be pathogenic (PMID: 29449721, 31126177). This variant is present in population databases (rs761251617, gnomAD 0.006%). This variant has not been reported in the literature in individuals affected with COCH-related conditions. For these reasons, this variant has been classified as Pathogenic.

Literature cited by the submitters: PubMed 29449721; PubMed 31126177.